The following is an entry in ClinVar:

ClinVar aggregate classification (germline): Uncertain significance (1 of 4 stars; one submission).

Conditions:
Inborn genetic diseases. Identifiers: MedGen C0950123, MeSH D030342.

Submission:

Ambry Genetics
Classification: Uncertain significance for Inborn genetic diseases. Last evaluated: 2025-05-02. Review status: criteria provided, single submitter. Criteria: Ambry Variant Classification Scheme 2023. Collection method: clinical testing. Allele origin: germline.
Comment: The p.G28S variant (also known as c.82G>A), located in coding exon 1 of the ANKRD26 gene, results from a G to A substitution at nucleotide position 82. The glycine at codon 28 is replaced by serine, an amino acid with similar properties. This amino acid position is conserved. In addition, this alteration is predicted to be tolerated by in silico analysis. Based on the available evidence, the clinical significance of this variant remains unclear.

NM_014915.3(ANKRD26):c.82G>A (p.Gly28Ser)

Genes: ANKRD26 (ankyrin repeat domain containing 26; minus strand), LOC130003554 (ATAC-STARR-seq lymphoblastoid silent region 2243; plus strand). Cytogenetic location: 10p12.1.
Variant type: single nucleotide variant.
Coding change: c.82G>A on transcript NM_014915.3 (MANE Select); coding-DNA position 82, G replaced by A.
Protein change: p.Gly28Ser; replaces glycine 28 with serine.
Molecular consequence: missense variant.
Genome position (GRCh38, 1-based): chr10:27,100,245, C>T on the plus strand (G>A on the coding strand, the complement: ANKRD26 is on the minus strand). VCF-style: chr10-27100245-C-T. GRCh37 (hg19) VCF-style: chr10-27389174-C-T.
Other names: c.82G>A, p.Gly28Ser (NM_001256053.2); short protein forms G28S.
Identifiers: ClinVar variation 3914063 (VCV003914063.1).
Genomic context (GRCh38, chr10:27,100,245, plus strand): 5'-CGAGATCTCGGTCTCGGACGTGGTAGCCGGGCTGCGAGTAGGCGCCCTCCCCCGGCTCGC[C>T]CCCGCCTCCCGCGCTGCTCCTCTGCCGCCGCGCGAAGGAGCCCAAGGGCGACTCGCCCTT-3'
Protein context (NP_055730.2, residues 18-38): RRQRSSAGGG[Gly28Ser]EPGEGAYSQP